The following is an entry in ClinVar:

ClinVar aggregate classification (germline): Uncertain significance (1 of 4 stars; one submission).

Conditions:
Hereditary cancer-predisposing syndrome. Also called: Hereditary neoplastic syndrome; Tumor predisposition; Hereditary Cancer Syndrome; Neoplastic Syndromes, Hereditary. Identifiers: Orphanet 140162, MedGen C0027672, MeSH D009386, MONDO:0015356.

Submission:

Ambry Genetics
Classification: Uncertain significance for Hereditary cancer-predisposing syndrome. Last evaluated: 2023-06-18. Review status: criteria provided, single submitter. Criteria: Ambry Variant Classification Scheme 2023. Collection method: clinical testing. Allele origin: germline.
Comment: The p.H1010P variant (also known as c.3029A>C), located in coding exon 22 of the MSH3 gene, results from an A to C substitution at nucleotide position 3029. The histidine at codon 1010 is replaced by proline, an amino acid with similar properties. This amino acid position is conserved. In addition, this alteration is predicted to be deleterious by in silico analysis. Since supporting evidence is limited at this time, the clinical significance of this alteration remains unclear.

NM_002439.5(MSH3):c.3029A>C (p.His1010Pro)

Gene: MSH3 (mutS homolog 3; plus strand). Cytogenetic location: 5q14.1.
Variant type: single nucleotide variant.
Coding change: c.3029A>C on transcript NM_002439.5 (MANE Select); coding-DNA position 3029, A replaced by C.
Protein change: p.His1010Pro; replaces histidine 1010 with proline.
Molecular consequence: missense variant.
Genome position (GRCh38, 1-based): chr5:80,864,841, A>C. VCF-style: chr5-80864841-A-C. GRCh37 (hg19) VCF-style: chr5-80160660-A-C.
Other names: short protein forms H1010P.
Identifiers: ClinVar variation 2586054 (VCV002586054.2), dbSNP rs1580098589, ClinGen allele CA360346135.
Genomic context (GRCh38, chr5:80,864,841, plus strand): 5'-GAAATAACATTTATTCTGTCTTATTGCTTTAGGTGAAATCCTTAACCCTGTTTGTCACCC[A>C]TTATCCGCCAGTTTGTGAACTAGAAAAAAATTACTCACACCAGGTGGGGAATTACCACAT-3'
Protein context (NP_002430.3, residues 1000-1020): DVKSLTLFVT[His1010Pro]YPPVCELEKN